The following is an entry in ClinVar:

ClinVar aggregate classification (germline): Pathogenic (1 of 4 stars; one submission).

Conditions:
Primary ciliary dyskinesia. Also called: Ciliary dyskinesia. Identifiers: Orphanet 244, MedGen C0008780, MONDO:0016575, HP:0012265.

Submission:

Labcorp Genetics (formerly Invitae), Labcorp
Classification: Pathogenic for Primary ciliary dyskinesia. Last evaluated: 2026-01-07. Review status: criteria provided, single submitter. Criteria: Invitae Variant Classification Sherloc (09022015). Collection method: clinical testing. Allele origin: germline.
Comment: This sequence change creates a premature translational stop signal (p.Phe1657Argfs*9) in the DNAH11 gene. It is expected to result in an absent or disrupted protein product. Loss-of-function variants in DNAH11 are known to be pathogenic (PMID: 18022865, 20513915, 22184204). This variant is present in population databases (no rsID available, gnomAD 0.01%). This variant has not been reported in the literature in individuals affected with DNAH11-related conditions. ClinVar contains an entry for this variant (Variation ID: 2981701). For these reasons, this variant has been classified as Pathogenic.

Literature cited by the submitters: PubMed 18022865; PubMed 20513915; PubMed 22184204.

NM_001277115.2(DNAH11):c.4969_4970del (p.Phe1657fs)

Gene: DNAH11 (dynein axonemal heavy chain 11; plus strand). Cytogenetic location: 7p15.3.
Variant type: Deletion.
Coding change: c.4969_4970del on transcript NM_001277115.2 (MANE Select); coding-DNA positions 4969 to 4970, 2 bases deleted (TT; older notation c.4969_4970delTT).
Protein change: p.Phe1657fs; shifts the reading frame from phenylalanine 1657.
Molecular consequence: frameshift variant.
Genome position (GRCh38, 1-based): chr7:21,655,856-21,655,857, TT deleted; deleting any 2 consecutive bases within chr7:21,655,854-21,655,857 gives the same sequence; the c. name uses the placement nearest the transcript's 3' end. VCF-style (leftmost placement, unchanged base first): chr7-21655853-CTT-C. GRCh37 (hg19) VCF-style: chr7-21695471-CTT-C.
Other names: c.4984_4985delTT, p.Phe1662Argfs (NM_003777.3); short protein forms F1657fs.
Identifiers: ClinVar variation 2981701 (VCV002981701.3), dbSNP rs868313799, ClinGen allele CA155083069.